The following is an entry in ClinVar:

NM_004315.6(ASAH1):c.38G>A (p.Gly13Glu)

Gene: ASAH1 (N-acylsphingosine amidohydrolase 1; minus strand). Cytogenetic location: 8p22.
Variant type: single nucleotide variant.
Coding change: c.38G>A on transcript NM_004315.6; coding-DNA position 38, G replaced by A.
Protein change: p.Gly13Glu; replaces glycine 13 with glutamic acid.
Molecular consequence: missense variant.
Genome position (GRCh38, 1-based): chr8:18,084,764, C>T on the plus strand (G>A on the coding strand, the complement: ASAH1 is on the minus strand). VCF-style: chr8-18084764-C-T. GRCh37 (hg19) VCF-style: chr8-17942273-C-T.
Other names: c.38G>A, p.Gly13Glu (NM_001127505.3); short protein forms G13E.
Identifiers: ClinVar variation 995271 (VCV000995271.5), dbSNP rs144306858, ClinGen allele CA4651231.
Genomic context (GRCh38, chr8:18,084,764, plus strand): 5'-CCCAGAATTGAGGCCTCGGTGAAAAGCGCGCTGAGACTTGGGTAGGAGGCCCGGTGGGAC[C>T]CGCGAGCTTTCTCTCCCAGCCCGATGCAGCAGTTCATTAAGCGGCTGTGTTTCCTCCTAA-3'

ClinVar aggregate classification (germline): Likely benign. Review status: criteria provided, multiple submitters, no conflicts (2 of 4 stars). 3 submissions from 3 submitters: Likely benign (2). 1 of the submissions does not count toward it. Last evaluated 2024-09-17.

Conditions:
ASAH1-related disorders. Also called: ASAH1-related condition; ASAH1-related disorder. Identifiers: MedGen CN376120, MONDO:0800460.

Allele frequency attached by ClinVar (database versions not stated): gnomAD exomes 0.00033 and 0.00012; ESP Exome Variant Server 0.00100; gnomAD 0.00111 and 0.00103; ExAC 0.00035; 1000 Genomes Project 30x 0.00141; 1000 Genomes Project 0.00160; TOPMed 0.00117.
gnomAD v4.1: 343 of 1,613,678 alleles (0.021%); highest among the groups gnomAD compares: African/African-American, 0.39%; 1 homozygote.

Submissions (3):

ARUP Laboratories, Molecular Genetics and Genomics, ARUP Laboratories
Classification: Likely benign. Last evaluated: 2024-09-17. Review status: criteria provided, single submitter. Criteria: ARUP Molecular Germline Variant Investigation Process 2024. Collection method: clinical testing. Allele origin: germline.

Athena Diagnostics
Classification: Likely benign. Last evaluated: 2019-11-08. Review status: criteria provided, single submitter. Criteria: Athena Diagnostics Criteria. Collection method: clinical testing. Allele origin: unknown.

PreventionGenetics, part of Exact Sciences
Classification: Likely benign for ASAH1-related condition. Last evaluated: 2024-03-11. Review status: no assertion criteria provided. Collection method: clinical testing. Allele origin: germline. Not counted in ClinVar's aggregate classification.
Comment: This variant is classified as likely benign based on ACMG/AMP sequence variant interpretation guidelines (Richards et al. 2015 PMID: 25741868, with internal and published modifications).